The following is an entry in ClinVar:

NM_001080414.4(CCDC88C):c.5695del (p.Leu1899fs)

Gene: CCDC88C (coiled-coil and HOOK domain protein 88C; minus strand). Cytogenetic location: 14q32.11.
Variant type: Deletion.
Coding change: c.5695del on transcript NM_001080414.4 (MANE Select); coding-DNA position 5695, one base deleted (C; older notation c.5695delC).
Protein change: p.Leu1899fs; shifts the reading frame from leucine 1899.
Molecular consequence: frameshift variant.
Genome position (GRCh38, 1-based): chr14:91,273,017, G deleted on the plus strand (C on the coding strand, the reverse complement: CCDC88C is on the minus strand); the first of 6 consecutive G bases (chr14:91,273,017-91,273,022); deleting any one gives the same sequence. VCF-style (leftmost placement, unchanged base first): chr14-91273016-AG-A. GRCh37 (hg19) VCF-style: chr14-91739360-AG-A.
Other names: c.5695delC (NM_001080414.3); short protein forms L1899fs.
Identifiers: ClinVar variation 593224 (VCV000593224.10), dbSNP rs1396400378, ClinGen allele CA616112294.
Genomic context (GRCh38, chr14:91,273,016, plus strand): 5'-CCAGCAGCAGCAGCACCAGCACCTGCAGTGGCAATGGCGGGGGCTGTGGCAGACTGATGC[AG>A]GGGGGCCAGCCTCTCCTCCTTTGGGGGAGCCAGGGAGAAGCGCCTCGTGTCCAGCGGCCG-3'

ClinVar aggregate classification (germline): Conflicting classifications of pathogenicity. Review status: criteria provided, conflicting classifications (1 of 4 stars). 4 submissions from 4 submitters: Pathogenic (1); Likely pathogenic (2); Uncertain significance (1). Last evaluated 2024-11-10.

Conditions:
Spinocerebellar ataxia type 40. Identifiers: Orphanet 423275, MedGen C4518336, MONDO:0014475, OMIM 616053.
Hydrocephalus, nonsyndromic, autosomal recessive 1 (HYC1). Also called: Hydrocephalus, nonsyndromic, autosomal recessive; Congenital hydrocephalus 1. Identifiers: Orphanet 2185, MedGen C3887608, MONDO:0009360, OMIM 236600.
CCDC88C-related disorder. Also called: CCDC88C-related condition; CCDC88C-Related Disorders.

Submissions (4):

PreventionGenetics, part of Exact Sciences
Classification: Likely pathogenic for CCDC88C-related condition. Last evaluated: 2024-11-10. Review status: criteria provided, single submitter. Criteria: ACMG Guidelines, 2015. Collection method: clinical testing. Allele origin: germline.
Comment: The CCDC88C c.5695delC variant is predicted to result in a frameshift and premature protein termination (p.Leu1899Cysfs*166). To our knowledge, this variant has not been reported in the literature. This variant is reported in 0.0026% of alleles in individuals of European (Non-Finnish) descent in gnomAD. A different loss-of-function variant downstream this one and on the same exon has been reported in the homozygous state in five fetuses with marked ventricular dilatation (reported as p.E1949GfsX26 in Drielsma et al. 2012. PubMed ID: 23042809). Frameshift variants in CCDC88C are expected to be pathogenic. In summary, c.5695delC (p.Leu1899Cysfs*166) variant is interpreted as likely pathogenic.

Fulgent Genetics
Classification: Likely pathogenic for Hydrocephalus, nonsyndromic, autosomal recessive 1; Spinocerebellar ataxia type 40. Last evaluated: 2024-06-23. Review status: criteria provided, single submitter. Criteria: ACMG Guidelines, 2015. Collection method: clinical testing. Allele origin: germline.

Labcorp Genetics (formerly Invitae), Labcorp
Classification: Pathogenic. Last evaluated: 2023-12-04. Review status: criteria provided, single submitter. Criteria: Invitae Variant Classification Sherloc (09022015). Collection method: clinical testing. Allele origin: germline.
Comment: This sequence change results in a frameshift in the CCDC88C gene (p.Leu1899Cysfs*166). While this is not anticipated to result in nonsense mediated decay, it is expected to disrupt the last 130 amino acid(s) of the CCDC88C protein and extend the protein by 35 additional amino acid residues. The frequency data for this variant in the population databases is considered unreliable, as metrics indicate poor data quality at this position in the gnomAD database. This variant has not been reported in the literature in individuals affected with CCDC88C-related conditions. ClinVar contains an entry for this variant (Variation ID: 593224). This variant disrupts a region of the CCDC88C protein in which other variant(s) (p.Glu1949Glyfs*26) have been determined to be pathogenic (PMID: 23042809). This suggests that this is a clinically significant region of the protein, and that variants that disrupt it are likely to be disease-causing. For these reasons, this variant has been classified as Pathogenic.

Eurofins Ntd Llc (ga)
Classification: Uncertain significance. Last evaluated: 2017-08-01. Review status: criteria provided, single submitter. Criteria: EGL Classification Definitions 2015. Collection method: clinical testing. Allele origin: germline. Observed: 2 variant alleles, 2 heterozygotes.

Literature cited by the submitters: PubMed 23042809 (cited by Labcorp Genetics (formerly Invitae), Labcorp).